The following is an entry in ClinVar:

NM_198271.5(LMOD3):c.1130T>C (p.Phe377Ser)

Gene: LMOD3 (leiomodin 3; minus strand). Cytogenetic location: 3p14.1.
Variant type: single nucleotide variant.
Coding change: c.1130T>C on transcript NM_198271.5 (MANE Select); coding-DNA position 1130, T replaced by C.
Protein change: p.Phe377Ser; replaces phenylalanine 377 with serine.
Molecular consequence: missense variant.
Genome position (GRCh38, 1-based): chr3:69,119,225, A>G on the plus strand (T>C on the coding strand, the complement: LMOD3 is on the minus strand). VCF-style: chr3-69119225-A-G. GRCh37 (hg19) VCF-style: chr3-69168376-A-G.
Other names: c.1130T>C, p.Phe377Ser (NM_001304418.3); c.1130T>C (NM_198271.3); short protein forms F377S.
Identifiers: ClinVar variation 1483030 (VCV001483030.6), dbSNP rs373483102, ClinGen allele CA2488855.
Genomic context (GRCh38, chr3:69,119,225, plus strand): 5'-TGTTTATCCTGATTCCTGGTGAGCAGATTAGTGACCACCATTCTGGGACCCGGAAGCTCA[A>G]AATGGTAGCCCATCTTCAGGAGAGTGTTGTTTGCCTTCAAAAGCCTGGCTATTTCCATTT-3'
Protein context (NP_938012.2, residues 367-387): NNTLLKMGYH[Phe377Ser]ELPGPRMVVT

ClinVar aggregate classification (germline): Uncertain significance. Review status: criteria provided, multiple submitters, no conflicts (2 of 4 stars). 2 submissions from 2 submitters: Uncertain significance (2). Last evaluated 2022-07-19.

Conditions:
Inborn genetic diseases. Identifiers: MedGen C0950123, MeSH D030342.
Nemaline myopathy 10 (NEM10). Identifiers: MedGen C4015360, MONDO:0014513, OMIM 616165.

Allele frequency attached by ClinVar (database versions not stated): gnomAD exomes 0.00002 and 0.00003; ExAC 0.00003; gnomAD 0.00003; TOPMed 0.00008; ESP Exome Variant Server 0.00017.

Submissions (2):

Labcorp Genetics (formerly Invitae), Labcorp
Classification: Uncertain significance for Nemaline myopathy 10. Last evaluated: 2022-07-19. Review status: criteria provided, single submitter. Criteria: Invitae Variant Classification Sherloc (09022015). Collection method: clinical testing. Allele origin: germline.
Comment: This sequence change replaces phenylalanine, which is neutral and non-polar, with serine, which is neutral and polar, at codon 377 of the LMOD3 protein (p.Phe377Ser). This variant is present in population databases (rs373483102, gnomAD 0.006%), including at least one homozygous and/or hemizygous individual. This variant has not been reported in the literature in individuals affected with LMOD3-related conditions. ClinVar contains an entry for this variant (Variation ID: 1483030). Algorithms developed to predict the effect of missense changes on protein structure and function (SIFT, PolyPhen-2, Align-GVGD) all suggest that this variant is likely to be disruptive. In summary, the available evidence is currently insufficient to determine the role of this variant in disease. Therefore, it has been classified as a Variant of Uncertain Significance.

Ambry Genetics
Classification: Uncertain significance for Inborn genetic diseases. Last evaluated: 2021-08-04. Review status: criteria provided, single submitter. Criteria: Ambry Variant Classification Scheme 2023. Collection method: clinical testing. Allele origin: germline.